The following is an entry in ClinVar:

NM_001100.4(ACTA1):c.738C>G (p.Asp246Glu)

Gene: ACTA1 (actin alpha 1, skeletal muscle; minus strand). Cytogenetic location: 1q42.13.
Variant type: single nucleotide variant.
Coding change: c.738C>G on transcript NM_001100.4 (MANE Select); coding-DNA position 738, C replaced by G.
Protein change: p.Asp246Glu; replaces aspartic acid 246 with glutamic acid.
Molecular consequence: missense variant.
Genome position (GRCh38, 1-based): chr1:229,432,064, G>C on the plus strand (C>G on the coding strand, the complement: ACTA1 is on the minus strand). VCF-style: chr1-229432064-G-C. GRCh37 (hg19) VCF-style: chr1-229567811-G-C.
Other names: short protein forms D246E.
Identifiers: ClinVar variation 1997342 (VCV001997342.4), dbSNP rs748592740, ClinGen allele CA345146759.
Genomic context (GRCh38, chr1:229,432,064, plus strand): 5'-GGGCTGGAAGAGCGTCTCCGGGCAGCGGAAGCGCTCGTTGCCGATGGTGATGACCTGCCC[G>C]TCTGGCAGCTCGTAGCTCTTTTCCAGGGAGGAGGAGGAGGCGGCCGTCGCCATCTCGTTC-3'
Protein context (NP_001091.1, residues 236-256): SSLEKSYELP[Asp246Glu]GQVITIGNER

ClinVar aggregate classification (germline): Uncertain significance (1 of 4 stars; one submission).

Conditions:
Actin accumulation myopathy (CMYO2A). Also called: Myopathy, actin, congenital, with cores; Nemaline myopathy 3, with intranuclear rods; Nemaline myopathy type 3; Myopathy, actin, congenital, with excess of thin myofilaments; CONGENITAL MYOPATHY 2A, TYPICAL, AUTOSOMAL DOMINANT. Identifiers: Orphanet 98904, MedGen C3711389, MONDO:0008070, OMIM 161800.

Submission:

Labcorp Genetics (formerly Invitae), Labcorp
Classification: Uncertain significance for Actin accumulation myopathy. Last evaluated: 2022-05-21. Review status: criteria provided, single submitter. Criteria: Invitae Variant Classification Sherloc (09022015). Collection method: clinical testing. Allele origin: germline.
Comment: In summary, the available evidence is currently insufficient to determine the role of this variant in disease. Therefore, it has been classified as a Variant of Uncertain Significance. Advanced modeling of protein sequence and biophysical properties (such as structural, functional, and spatial information, amino acid conservation, physicochemical variation, residue mobility, and thermodynamic stability) performed at Invitae indicates that this missense variant is expected to disrupt ACTA1 protein function. This variant has not been reported in the literature in individuals affected with ACTA1-related conditions. This variant is not present in population databases (gnomAD no frequency). This sequence change replaces aspartic acid, which is acidic and polar, with glutamic acid, which is acidic and polar, at codon 246 of the ACTA1 protein (p.Asp246Glu).